The following is an entry in ClinVar:

ClinVar aggregate classification (germline): Uncertain significance. Review status: criteria provided, multiple submitters, no conflicts (2 of 4 stars). 3 submissions from 3 submitters: Uncertain significance (3). Last evaluated 2026-08-01.

Conditions:
Infantile neuroaxonal dystrophy (NBIA2A). Also called: NEURODEGENERATION WITH BRAIN IRON ACCUMULATION 2A; SEITELBERGER DISEASE; Infantile neuroaxonal dystrophy 1. Identifiers: Orphanet 35069, MedGen C0270724, MONDO:0024457, OMIM 256600.
Autosomal recessive Parkinson disease 14. Also called: PARKINSON DISEASE 14; DYSTONIA-PARKINSONISM, ADULT-ONSET. Identifiers: Orphanet 199351, MedGen C2751842, MONDO:0013060, OMIM 612953.

Allele frequency attached by ClinVar (database versions not stated): gnomAD 0.00002 and 0.00003; gnomAD exomes 0.00004; TOPMed 0.00004; ExAC 0.00005.
gnomAD v4.1: 50 of 1,561,104 alleles (0.0032%); highest among the groups gnomAD compares: Admixed American, 0.013%; 1 homozygote.

Submissions (3):

CeGaT Center for Human Genetics Tuebingen
Classification: Uncertain significance. Last evaluated: 2026-08-01. Review status: criteria provided, single submitter. Criteria: CeGaT Center For Human Genetics Tuebingen Variant Classification Criteria Version 2. Collection method: clinical testing. Allele origin: germline. Affected: yes. Observed: 1 variant allele.

3billion
Classification: Uncertain significance for Autosomal recessive Parkinson disease 14. Last evaluated: 2024-10-29. Review status: criteria provided, single submitter. Criteria: ACMG Guidelines, 2015. Collection method: clinical testing. Allele origin: germline. Affected: yes.
Comment: The variant is observed at an extremely low frequency in the gnomAD v4.1.0 dataset (total allele frequency: 0.003%). Predicted Consequence/Location: Missense variant In silico tool predictions suggest damaging effect of the variant on gene or gene product [REVEL: 0.52 (>=0.6, sensitivity 0.68 and specificity 0.92); 3Cnet: 0.99 (>=0.6, sensitivity 0.72 and precision 0.9)]. The variant has been reported as of uncertain significance (ClinVar ID: VCV001498030). Therefore, this variant is classified as VUS according to the recommendation of ACMG/AMP guideline.

Labcorp Genetics (formerly Invitae), Labcorp
Classification: Uncertain significance for Infantile neuroaxonal dystrophy. Last evaluated: 2022-06-23. Review status: criteria provided, single submitter. Criteria: Invitae Variant Classification Sherloc (09022015). Collection method: clinical testing. Allele origin: germline.
Comment: This sequence change replaces alanine, which is neutral and non-polar, with valine, which is neutral and non-polar, at codon 324 of the PLA2G6 protein (p.Ala324Val). The frequency data for this variant in the population databases is considered unreliable, as metrics indicate poor data quality at this position in the gnomAD database. This variant has not been reported in the literature in individuals affected with PLA2G6-related conditions. Advanced modeling of protein sequence and biophysical properties (such as structural, functional, and spatial information, amino acid conservation, physicochemical variation, residue mobility, and thermodynamic stability) performed at Invitae indicates that this missense variant is expected to disrupt PLA2G6 protein function. In summary, the available evidence is currently insufficient to determine the role of this variant in disease. Therefore, it has been classified as a Variant of Uncertain Significance.

NM_003560.4(PLA2G6):c.971C>T (p.Ala324Val)

Gene: PLA2G6 (phospholipase A2 group VI; minus strand). Cytogenetic location: 22q13.1.
Variant type: single nucleotide variant.
Coding change: c.971C>T on transcript NM_003560.4 (MANE Select); coding-DNA position 971, C replaced by T.
Protein change: p.Ala324Val; replaces alanine 324 with valine.
Molecular consequence: missense variant.
Genome position (GRCh38, 1-based): chr22:38,132,937, G>A on the plus strand (C>T on the coding strand, the complement: PLA2G6 is on the minus strand). VCF-style: chr22-38132937-G-A. GRCh37 (hg19) VCF-style: chr22-38528944-G-A.
Other names: c.971C>T, p.Ala324Val (NM_001004426.3, NM_001199562.3, NM_001349864.2 and 2 more transcripts); c.437C>T, p.Ala146Val (NM_001349867.2, NM_001349869.2); c.293C>T, p.Ala98Val (NM_001349868.2); short protein forms A98V, A146V, A324V.
Identifiers: ClinVar variation 1498030 (VCV001498030.7), dbSNP rs757139688, ClinGen allele CA10231081.